The following is an entry in ClinVar:

ClinVar aggregate classification (germline): Uncertain significance (1 of 4 stars; one submission).

Conditions:
Catecholaminergic polymorphic ventricular tachycardia 1. Also called: VENTRICULAR TACHYCARDIA, CATECHOLAMINERGIC POLYMORPHIC, 1, WITH OR WITHOUT ATRIAL DYSFUNCTION AND/OR DILATED CARDIOMYOPATHY; VENTRICULAR TACHYCARDIA, STRESS-INDUCED POLYMORPHIC 1; RYR2-Related Catecholaminergic Polymorphic Ventricular Tachycardia. Identifiers: Orphanet 3286, MedGen C1631597, MONDO:0011484, OMIM 604772.

gnomAD v4.1: 2 of 1,613,584 alleles (0.00012%); highest among the groups gnomAD compares: Non-Finnish European, 0.00017%; no homozygotes.

Submission:

Labcorp Genetics (formerly Invitae), Labcorp
Classification: Uncertain significance for Catecholaminergic polymorphic ventricular tachycardia 1. Last evaluated: 2021-09-14. Review status: criteria provided, single submitter. Criteria: Invitae Variant Classification Sherloc (09022015). Collection method: clinical testing. Allele origin: germline.
Comment: In summary, the available evidence is currently insufficient to determine the role of this variant in disease. Therefore, it has been classified as a Variant of Uncertain Significance. Algorithms developed to predict the effect of sequence changes on RNA splicing suggest that this variant may create or strengthen a splice site. Advanced modeling of protein sequence and biophysical properties (such as structural, functional, and spatial information, amino acid conservation, physicochemical variation, residue mobility, and thermodynamic stability) performed at Invitae indicates that this missense variant is not expected to disrupt RYR2 protein function. This variant has not been reported in the literature in individuals affected with RYR2-related conditions. This variant is not present in population databases (ExAC no frequency). This sequence change replaces glycine with valine at codon 2027 of the RYR2 protein (p.Gly2027Val). The glycine residue is highly conserved and there is a moderate physicochemical difference between glycine and valine.

NM_001035.3(RYR2):c.6080G>T (p.Gly2027Val)

Gene: RYR2 (ryanodine receptor 2; plus strand). Cytogenetic location: 1q43.
Variant type: single nucleotide variant.
Coding change: c.6080G>T on transcript NM_001035.3 (MANE Select); coding-DNA position 6080, G replaced by T.
Protein change: p.Gly2027Val; replaces glycine 2027 with valine.
Molecular consequence: missense variant.
Genome position (GRCh38, 1-based): chr1:237,625,718, G>T. VCF-style: chr1-237625718-G-T. GRCh37 (hg19) VCF-style: chr1-237789018-G-T.
Other names: short protein forms G2027V.
Identifiers: ClinVar variation 1346613 (VCV001346613.7), dbSNP rs2148657684, ClinGen allele CA345408904.
Genomic context (GRCh38, chr1:237,625,718, plus strand): 5'-TAGGAATTGAGCTGGATGAAGATGGGTCTCTGGATGGAAACAGTGATTTAACAATTAGAG[G>T]GCGTCTGCTATCCCTGGTAGAAAAGGTGACATATCTGAAGAAGAAGCAAGCAGAAAAACC-3'
Protein context (NP_001026.2, residues 2017-2037): LDGNSDLTIR[Gly2027Val]RLLSLVEKVT